The following is an entry in ClinVar:

NM_001376.5(DYNC1H1):c.26G>A (p.Gly9Asp)

Gene: DYNC1H1 (dynein cytoplasmic 1 heavy chain 1; plus strand). Cytogenetic location: 14q32.31.
Variant type: single nucleotide variant.
Coding change: c.26G>A on transcript NM_001376.5 (MANE Select); coding-DNA position 26, G replaced by A.
Protein change: p.Gly9Asp; replaces glycine 9 with aspartic acid.
Molecular consequence: missense variant.
Genome position (GRCh38, 1-based): chr14:101,964,717, G>A. VCF-style: chr14-101964717-G-A. GRCh37 (hg19) VCF-style: chr14-102431054-G-A.
Other names: short protein forms G9D.
Identifiers: ClinVar variation 1969629 (VCV001969629.5), dbSNP rs2503643534, ClinGen allele CA391002951.
Genomic context (GRCh38, chr14:101,964,717, plus strand): 5'-TCTCATCGCTCCTGGAAGGTCCCGAGCGCGACACCATGTCGGAGCCCGGGGGCGGCGGCG[G>A]CGAGGACGGCTCGGCCGGATTGGAAGTGTCGGCCGTGCAGAATGTGGCGGACGTGTCGGT-3'
Protein context (NP_001367.2, residues 1-19): MSEPGGGG[Gly9Asp]EDGSAGLEVS

ClinVar aggregate classification (germline): Uncertain significance (1 of 4 stars; one submission).

Conditions:
Charcot-Marie-Tooth disease axonal type 2O. Also called: CHARCOT-MARIE-TOOTH NEUROPATHY, AXONAL, TYPE 2O; CHARCOT-MARIE-TOOTH DISEASE, AXONAL, AUTOSOMAL DOMINANT, TYPE 2O; Charcot-Marie-Tooth Neuropathy Type 2O; Charcot-Marie-Tooth disease, axonal, type 20. Identifiers: Orphanet 284232, MedGen C3280220, MONDO:0013644, OMIM 614228.

Submission:

Labcorp Genetics (formerly Invitae), Labcorp
Classification: Uncertain significance for Charcot-Marie-Tooth disease axonal type 2O. Last evaluated: 2022-10-13. Review status: criteria provided, single submitter. Criteria: Invitae Variant Classification Sherloc (09022015). Collection method: clinical testing. Allele origin: germline.
Comment: This sequence change replaces glycine, which is neutral and non-polar, with aspartic acid, which is acidic and polar, at codon 9 of the DYNC1H1 protein (p.Gly9Asp). In summary, the available evidence is currently insufficient to determine the role of this variant in disease. Therefore, it has been classified as a Variant of Uncertain Significance. Advanced modeling of protein sequence and biophysical properties (such as structural, functional, and spatial information, amino acid conservation, physicochemical variation, residue mobility, and thermodynamic stability) performed at Invitae indicates that this missense variant is not expected to disrupt DYNC1H1 protein function. This variant has not been reported in the literature in individuals affected with DYNC1H1-related conditions. This variant is not present in population databases (gnomAD no frequency).